The following is an entry in ClinVar:

NM_000059.4(BRCA2):c.7366C>G (p.Gln2456Glu)

Gene: BRCA2 (BRCA2 DNA repair associated; plus strand). Cytogenetic location: 13q13.1.
Variant type: single nucleotide variant.
Coding change: c.7366C>G on transcript NM_000059.4 (MANE Select); coding-DNA position 7366, C replaced by G.
Protein change: p.Gln2456Glu; replaces glutamine 2456 with glutamic acid.
Molecular consequence: missense variant.
Genome position (GRCh38, 1-based): chr13:32,355,219, C>G. VCF-style: chr13-32355219-C-G. GRCh37 (hg19) VCF-style: chr13-32929356-C-G.
Other names: short protein forms Q2456E.
Identifiers: ClinVar variation 52313 (VCV000052313.7), dbSNP rs397507912, ClinGen allele CA025044.
Genomic context (GRCh38, chr13:32,355,219, plus strand): 5'-AACATTGATGGACATGGCTCTGATGATAGTAAAAATAAGATTAATGACAATGAGATTCAT[C>G]AGTTTAACAAAAACAACTCCAATCAAGCAGTAGCTGTAACTTTCACAAAGTGTGAAGAAG-3'
Protein context (NP_000050.3, residues 2446-2466): KNKINDNEIH[Gln2456Glu]FNKNNSNQAV

ClinVar aggregate classification (germline): Uncertain significance. Review status: criteria provided, single submitter (1 of 4 stars). 2 submissions from 2 submitters: Uncertain significance (1). 1 of the submissions does not count toward it. Last evaluated 2022-03-14.

Conditions:
Hereditary breast ovarian cancer syndrome. Also called: Hereditary breast and ovarian cancer syndrome; Hereditary breast and ovarian cancer; Hereditary breast and ovarian cancer syndrome (HBOC); Breast and ovarian cancer; Hereditary breast and/or ovarian cancer syndrome; BRCA1- and BRCA2-Associated Hereditary Breast and Ovarian Cancer. Identifiers: Orphanet 145, MedGen C0677776, MeSH D061325, MONDO:0003582. Disease mechanism: loss of function.
Familial cancer of breast. Also called: BREAST CANCER, FAMILIAL; Hereditary breast cancer; hereditary breast carcinoma. Identifiers: Orphanet 227535, MedGen C0346153, MONDO:0016419, OMIM 114480. Disease mechanism: loss of function.

Submissions (2):

Labcorp Genetics (formerly Invitae), Labcorp
Classification: Uncertain significance for Hereditary breast ovarian cancer syndrome. Last evaluated: 2022-03-14. Review status: criteria provided, single submitter. Criteria: Invitae Variant Classification Sherloc (09022015). Collection method: clinical testing. Allele origin: germline.
Comment: In summary, the available evidence is currently insufficient to determine the role of this variant in disease. Therefore, it has been classified as a Variant of Uncertain Significance. Advanced modeling of protein sequence and biophysical properties (such as structural, functional, and spatial information, amino acid conservation, physicochemical variation, residue mobility, and thermodynamic stability) performed at Invitae indicates that this missense variant is not expected to disrupt BRCA2 protein function. ClinVar contains an entry for this variant (Variation ID: 52313). This variant is also known as c.7594C>G. This missense change has been observed in individual(s) with personal and/or family history of breast and/or ovarian cancer. (PMID: 15172753). This variant is not present in population databases (gnomAD no frequency). This sequence change replaces glutamine, which is neutral and polar, with glutamic acid, which is acidic and polar, at codon 2456 of the BRCA2 protein (p.Gln2456Glu).

ClinVar Staff, National Center for Biotechnology Information (NCBI)
No classification provided. Condition: Familial cancer of breast. Review status: no classification provided. Collection method: literature only. Allele origin: germline. Affected: yes. Not counted in ClinVar's aggregate classification.

Literature cited by the submitters: PubMed 15172753 (cited by Labcorp Genetics (formerly Invitae), Labcorp and ClinVar Staff, National Center for Biotechnology Information (NCBI)).